The following is an entry in ClinVar:

NM_000222.3(KIT):c.656C>T (p.Ala219Val)

Gene: KIT (KIT proto-oncogene, receptor tyrosine kinase; plus strand). Cytogenetic location: 4q12.
Variant type: single nucleotide variant.
Coding change: c.656C>T on transcript NM_000222.3 (MANE Select); coding-DNA position 656, C replaced by T.
Protein change: p.Ala219Val; replaces alanine 219 with valine.
Molecular consequence: missense variant.
Genome position (GRCh38, 1-based): chr4:54,699,666, C>T. VCF-style: chr4-54699666-C-T. GRCh37 (hg19) VCF-style: chr4-55565832-C-T.
Other names: c.656C>T, p.Ala219Val (NM_001385292.1, NM_001093772.2, NM_001385284.1 and 4 more transcripts); short protein forms A219V.
Identifiers: ClinVar variation 2749949 (VCV002749949.3), dbSNP rs1311536541, ClinGen allele CA356898218.

ClinVar aggregate classification (germline): Uncertain significance (1 of 4 stars; one submission).

Conditions:
Gastrointestinal stromal tumor. Also called: Gastrointestinal stromal tumor, somatic; Gastrointestinal stroma tumor. Identifiers: Orphanet 44890, MedGen C0238198, MeSH D046152, MONDO:0011719, OMIM 606764, HP:0100723.

Submission:

Labcorp Genetics (formerly Invitae), Labcorp
Classification: Uncertain significance for Gastrointestinal stromal tumor. Last evaluated: 2023-08-04. Review status: criteria provided, single submitter. Criteria: Invitae Variant Classification Sherloc (09022015). Collection method: clinical testing. Allele origin: germline.
Comment: In summary, the available evidence is currently insufficient to determine the role of this variant in disease. Therefore, it has been classified as a Variant of Uncertain Significance. An algorithm developed to predict the effect of missense changes on protein structure and function (PolyPhen-2) suggests that this variant is likely to be tolerated. This variant has not been reported in the literature in individuals affected with KIT-related conditions. This variant is not present in population databases (gnomAD no frequency). This sequence change replaces alanine, which is neutral and non-polar, with valine, which is neutral and non-polar, at codon 219 of the KIT protein (p.Ala219Val).